The following is an entry in ClinVar:

NM_000321.3(RB1):c.160_178del (p.Glu54fs)

Gene: RB1 (RB transcriptional corepressor 1; plus strand). Cytogenetic location: 13q14.2.
Variant type: Deletion.
Coding change: c.160_178del on transcript NM_000321.3 (MANE Select); coding-DNA positions 160 to 178, 19 bases deleted (GAACCTGATTTTACTGCAT).
Protein change: p.Glu54fs; shifts the reading frame from glutamic acid 54.
Molecular consequence: frameshift variant.
Genome position (GRCh38, 1-based): chr13:48,307,302-48,307,320, GAACCTGATTTTACTGCAT deleted. VCF-style (leftmost placement, unchanged base first): chr13-48307301-AGAACCTGATTTTACTGCAT-A. GRCh37 (hg19) VCF-style: chr13-48881437-AGAACCTGATTTTACTGCAT-A.
Other names: c.160_178del, p.Glu54fs (NM_001407165.1, NM_001407166.1, NM_001407167.1); short protein forms E54fs.
Identifiers: ClinVar variation 4733673 (VCV004733673.1).

ClinVar aggregate classification (germline): Pathogenic (1 of 4 stars; one submission).

Conditions:
Retinoblastoma (RB1). Also called: RETINOBLASTOMA, SOMATIC. Identifiers: Orphanet 790, MedGen C0035335, MeSH D012175, MONDO:0008380, OMIM 180200, HP:0009919. Disease mechanism: loss of function. Inheritance: Both sporadic and heritable forms are tested..

Submission:

Labcorp Genetics (formerly Invitae), Labcorp
Classification: Pathogenic for Retinoblastoma. Last evaluated: 2025-12-20. Review status: criteria provided, single submitter. Criteria: Invitae Variant Classification Sherloc (09022015). Collection method: clinical testing. Allele origin: germline.
Comment: This sequence change creates a premature translational stop signal (p.Glu54Tyrfs*5) in the RB1 gene. It is expected to result in an absent or disrupted protein product. Loss-of-function variants in RB1 are known to be pathogenic (PMID: 17096365). This variant is not present in population databases (gnomAD no frequency). This variant has not been reported in the literature in individuals affected with RB1-related conditions. For these reasons, this variant has been classified as Pathogenic.

Literature cited by the submitters: PubMed 17096365.